The following is an entry in ClinVar:

NM_000059.4(BRCA2):c.10253_10256del (p.Ile3418fs)

Gene: BRCA2 (BRCA2 DNA repair associated; plus strand). Cytogenetic location: 13q13.1.
Variant type: Deletion.
Coding change: c.10253_10256del on transcript NM_000059.4 (MANE Select); coding-DNA positions 10253 to 10256, 4 bases deleted (TCTA; older notation c.10253_10256delTCTA).
Protein change: p.Ile3418fs; shifts the reading frame from isoleucine 3418.
Molecular consequence: frameshift variant.
Genome position (GRCh38, 1-based): chr13:32,398,766-32,398,769, TCTA deleted; deleting any 4 consecutive bases within chr13:32,398,764-32,398,769 gives the same sequence; the c. name uses the placement nearest the transcript's 3' end. VCF-style (leftmost placement, unchanged base first): chr13-32398763-ATATC-A. GRCh37 (hg19) VCF-style: chr13-32972900-ATATC-A.
Other names: 10481del4; c.10253_10256delTCTA (NM_000059.3, NM_000059.4).
Identifiers: ClinVar variation 91745 (VCV000091745.25), dbSNP rs80359259, ClinGen allele CA010580.

ClinVar aggregate classification (germline): Likely benign. Review status: criteria provided, multiple submitters, no conflicts (2 of 4 stars). 11 submissions from 11 submitters: Likely benign (8). 3 of the submissions do not count toward it. Last evaluated 2026-02-09.

Conditions:
Hereditary cancer-predisposing syndrome. Also called: Hereditary neoplastic syndrome; Neoplastic Syndromes, Hereditary; Hereditary Cancer Syndrome; Tumor predisposition. Identifiers: Orphanet 140162, MedGen C0027672, MeSH D009386, MONDO:0015356.
Hereditary breast ovarian cancer syndrome. Also called: Hereditary breast and ovarian cancer; BRCA1- and BRCA2-Associated Hereditary Breast and Ovarian Cancer; Hereditary breast and/or ovarian cancer syndrome; Hereditary breast and ovarian cancer syndrome; Hereditary breast and ovarian cancer syndrome (HBOC); Breast and ovarian cancer. Identifiers: Orphanet 145, MedGen C0677776, MeSH D061325, MONDO:0003582. Disease mechanism: loss of function.
Breast-ovarian cancer, familial, susceptibility to, 2 (BROVCA2). Also called: BRCA2 Hereditary Breast and Ovarian Cancer. Identifiers: Orphanet 145, MedGen C2675520, MONDO:0012933, OMIM 612555. Disease mechanism: loss of function.

Submissions (11):

Dasa
Classification: Likely benign for Breast-ovarian cancer, familial, susceptibility to, 2. Last evaluated: 2026-02-09. Review status: criteria provided, single submitter. Criteria: DASA Assertion Criteria. Collection method: clinical testing. Allele origin: germline.
Comment: NM_000059.4(BRCA2):c.10253_10256del (p.Ile3418delinsLysHisLeuGlnArgArgGln*) introduces a premature termination codon predicted to result in loss of normal protein function. Loss-of-function is an established mechanism of disease for this gene. Based on the available data, this variant is classified as likely benign.

Labcorp Genetics (formerly Invitae), Labcorp
Classification: Likely benign for Hereditary breast ovarian cancer syndrome. Last evaluated: 2025-12-23. Review status: criteria provided, single submitter. Criteria: Invitae Variant Classification Sherloc (09022015). Collection method: clinical testing. Allele origin: germline.

Center for Genomic Medicine, Rigshospitalet, Copenhagen University Hospital
Classification: Likely benign. Last evaluated: 2025-03-04. Review status: criteria provided, single submitter. Criteria: ACMG Guidelines, 2015. Collection method: clinical testing. Allele origin: germline.

Quest Diagnostics Nichols Institute San Juan Capistrano
Classification: Likely benign. Last evaluated: 2023-05-24. Review status: criteria provided, single submitter. Criteria: Quest Diagnostics criteria. Collection method: clinical testing. Allele origin: unknown.

Sema4
Classification: Likely benign for Hereditary cancer-predisposing syndrome. Last evaluated: 2021-07-01. Review status: criteria provided, single submitter. Criteria: Sema4 Curation Guidelines. Collection method: curation. Allele origin: germline.

GeneDx
Classification: Likely benign. Last evaluated: 2019-03-13. Review status: criteria provided, single submitter. Criteria: GeneDx Variant Classification Process June 2021. Collection method: clinical testing. Allele origin: germline. Affected: yes.
Comment: This variant is associated with the following publications: (PMID: 16905680)

Color Diagnostics, LLC DBA Color Health
Classification: Likely benign for Hereditary cancer-predisposing syndrome. Last evaluated: 2018-05-11. Review status: criteria provided, single submitter. Criteria: ACMG Guidelines, 2015. Collection method: clinical testing. Allele origin: germline.

Ambry Genetics
Classification: Likely benign for Hereditary cancer-predisposing syndrome. Last evaluated: 2017-09-22. Review status: criteria provided, single submitter. Criteria: Ambry Variant Classification Scheme 2023. Collection method: clinical testing. Allele origin: germline.

Cancer Genetics and Genomics Laboratory, British Columbia Cancer Agency
Classification: Uncertain significance for Hereditary breast ovarian cancer syndrome. Last evaluated: 2016-04-14. Review status: no assertion criteria provided. Collection method: clinical testing. Allele origin: germline. Study: The Canadian Open Genetics Repository (COGR). Not counted in ClinVar's aggregate classification.

Sharing Clinical Reports Project (SCRP)
Classification: Likely benign for Breast-ovarian cancer, familial 2. Last evaluated: 2009-03-13. Review status: no assertion criteria provided. Collection method: clinical testing. Allele origin: germline. Not counted in ClinVar's aggregate classification.

Breast Cancer Information Core (BIC) (BRCA2)
Classification: Uncertain significance for Breast-ovarian cancer, familial 2. Last evaluated: 2002-06-20. Review status: no assertion criteria provided. Collection method: clinical testing. Allele origin: germline. Affected: yes. Observed: 1 variant allele. Not counted in ClinVar's aggregate classification.

Literature cited by the submitters: PubMed 16905680 (cited by Quest Diagnostics Nichols Institute San Juan Capistrano).